The following is an entry in ClinVar:

NM_145263.4(SPATA18):c.991G>A (p.Val331Ile)

Gene: SPATA18 (spermatogenesis associated 18; plus strand). Cytogenetic location: 4q12.
Variant type: single nucleotide variant.
Coding change: c.991G>A on transcript NM_145263.4 (MANE Select); coding-DNA position 991, G replaced by A.
Protein change: p.Val331Ile; replaces valine 331 with isoleucine.
Molecular consequence: missense variant. On other transcripts: non-coding transcript variant (2).
Genome position (GRCh38, 1-based): chr4:52,077,011, G>A. VCF-style: chr4-52077011-G-A. GRCh37 (hg19) VCF-style: chr4-52943177-G-A.
Other names: c.895G>A, p.Val299Ile (NM_001297608.2); c.580G>A, p.Val194Ile (NM_001346102.2); c.316G>A, p.Val106Ile (NM_001346103.2); short protein forms V331I, V194I, V106I, V299I.
Identifiers: ClinVar variation 161809 (VCV000161809.2), dbSNP rs193921037, ClinGen allele CA174826.

ClinVar aggregate classification (germline): Uncertain significance (0 of 4 stars; one submission).

Conditions:
Prostate cancer. Also called: Malignant tumor of prostate. Identifiers: Orphanet 1331, MedGen C0376358, MONDO:0008315, HP:0012125.

Allele frequency attached by ClinVar (database versions not stated): TOPMed 0.00001.

Submission:

Science for Life laboratory,  Karolinska Institutet
Classification: Uncertain significance for Malignant tumor of prostate. Review status: no assertion criteria provided. Collection method: not provided. Allele origin: somatic.
Comment: TumorID:SWE-8
ClinVar note: Converted during submission from Unknown to Uncertain significance.